The following is an entry in ClinVar:

ClinVar aggregate classification (germline): Benign/Likely benign. Review status: criteria provided, multiple submitters, no conflicts (2 of 4 stars). 5 submissions from 5 submitters: Benign (2); Likely benign (2). 1 of the submissions does not count toward it. Last evaluated 2024-11-25.

Conditions:
DNAH10-related disorder. Also called: DNAH10-related condition.

Allele frequency attached by ClinVar (database versions not stated): gnomAD exomes 0.00217; gnomAD 0.00140; 1000 Genomes Project 30x 0.00156; 1000 Genomes Project 0.00160; TOPMed 0.00174; ESP Exome Variant Server 0.00210; ExAC 0.00212.
gnomAD v4.1: 3,363 of 1,613,952 alleles (0.21%); highest among the groups gnomAD compares: Middle Eastern, 0.35%; 8 homozygotes.

Submissions (5):

Blueprint Genetics
Classification: Likely benign. Last evaluated: 2024-11-25. Review status: criteria provided, single submitter. Criteria: ACMG Guidelines, 2015. Collection method: clinical testing. Allele origin: germline.

CeGaT Center for Human Genetics Tuebingen
Classification: Likely benign. Last evaluated: 2023-04-01. Review status: criteria provided, single submitter. Criteria: CeGaT Center For Human Genetics Tuebingen Variant Classification Criteria Version 2. Collection method: clinical testing. Allele origin: germline. Affected: yes. Observed: 2 variant alleles.
Comment: DNAH10: BP4, BP7

Labcorp Genetics (formerly Invitae), Labcorp
Classification: Benign. Last evaluated: 2018-07-17. Review status: criteria provided, single submitter. Criteria: Invitae Variant Classification Sherloc (09022015). Collection method: clinical testing. Allele origin: germline.

Breakthrough Genomics
Classification: Benign. Review status: criteria provided, single submitter. Criteria: ACMG Guidelines, 2015. Collection method: not provided. Allele origin: germline. Inheritance: Autosomal recessive inheritance. Affected: yes.

PreventionGenetics, part of Exact Sciences
Classification: Likely benign for DNAH10-related condition. Last evaluated: 2024-07-03. Review status: no assertion criteria provided. Collection method: clinical testing. Allele origin: germline. Not counted in ClinVar's aggregate classification.
Comment: This variant is classified as likely benign based on ACMG/AMP sequence variant interpretation guidelines (Richards et al. 2015 PMID: 25741868, with internal and published modifications).

NM_001372106.1(DNAH10):c.6024T>C (p.Asp2008=)

Gene: DNAH10 (dynein axonemal heavy chain 10; plus strand). Cytogenetic location: 12q24.31.
Variant type: single nucleotide variant.
Coding change: c.6024T>C on transcript NM_001372106.1 (MANE Select); coding-DNA position 6024, T replaced by C.
Protein change: p.Asp2008=; no amino-acid change (aspartic acid 2008 retained).
Molecular consequence: synonymous variant.
Genome position (GRCh38, 1-based): chr12:123,848,804, T>C. VCF-style: chr12-123848804-T-C. GRCh37 (hg19) VCF-style: chr12-124333351-T-C.
Other names: c.5670T>C, p.Asp1890= (NM_207437.3).
Identifiers: ClinVar variation 774708 (VCV000774708.29), dbSNP rs34376881, ClinGen allele CA6864043.